The following is an entry in ClinVar:

ClinVar aggregate classification (germline): Uncertain significance (1 of 4 stars; one submission).

Conditions:
Methylmalonic acidemia due to transcobalamin receptor defect (MATR). Also called: METHYLMALONIC ACIDEMIA, TCblR TYPE; METHYLMALONIC ACIDURIA, TRANSIENT, DUE TO TRANSCOBALAMIN RECEPTOR DEFECT. Identifiers: Orphanet 280183, MedGen C4749905, MONDO:0013341, OMIM 613646.

Allele frequency attached by ClinVar (database versions not stated): gnomAD exomes 0.00001; TOPMed 0.00003; ExAC 0.00006.

Submission:

Labcorp Genetics (formerly Invitae), Labcorp
Classification: Uncertain significance for Methylmalonic acidemia due to transcobalamin receptor defect. Last evaluated: 2024-05-08. Review status: criteria provided, single submitter. Criteria: Invitae Variant Classification Sherloc (09022015). Collection method: clinical testing. Allele origin: germline.
Comment: This sequence change replaces aspartic acid, which is acidic and polar, with asparagine, which is neutral and polar, at codon 163 of the CD320 protein (p.Asp163Asn). This variant is present in population databases (rs767294120, gnomAD 0.02%). This variant has not been reported in the literature in individuals affected with CD320-related conditions. An algorithm developed to predict the effect of missense changes on protein structure and function (PolyPhen-2) suggests that this variant is likely to be disruptive. In summary, the available evidence is currently insufficient to determine the role of this variant in disease. Therefore, it has been classified as a Variant of Uncertain Significance.

NM_016579.4(CD320):c.487G>A (p.Asp163Asn)

Gene: CD320 (CD320 molecule; minus strand). Cytogenetic location: 19p13.2.
Variant type: single nucleotide variant.
Coding change: c.487G>A on transcript NM_016579.4 (MANE Select); coding-DNA position 487, G replaced by A.
Protein change: p.Asp163Asn; replaces aspartic acid 163 with asparagine.
Molecular consequence: missense variant.
Genome position (GRCh38, 1-based): chr19:8,303,870, C>T on the plus strand (G>A on the coding strand, the complement: CD320 is on the minus strand). VCF-style: chr19-8303870-C-T. GRCh37 (hg19) VCF-style: chr19-8368754-C-T.
Other names: c.361G>A, p.Asp121Asn (NM_001165895.2); short protein forms D163N, D121N.
Identifiers: ClinVar variation 2904387 (VCV002904387.3), dbSNP rs767294120, ClinGen allele CA9154726.